The following is an entry in ClinVar:

ClinVar aggregate classification (germline): Uncertain significance (1 of 4 stars; one submission).

Conditions:
Lymphatic malformation 9. Identifiers: MedGen C5543365, MONDO:0030270, OMIM 619319.

gnomAD v4.1: 342 of 1,612,474 alleles (0.021%); highest among the groups gnomAD compares: Non-Finnish European, 0.027%; no homozygotes.

Submission:

Clinical Genomics Laboratory, Washington University in St. Louis
Classification: Uncertain significance for Lymphatic malformation 9. Last evaluated: 2025-03-31. Review status: criteria provided, single submitter. Criteria: ACMG Guidelines, 2015. Collection method: clinical testing. Allele origin: germline.
Comment: A CELSR1 c.2270A>G (p.Gln757Arg) variant was identified at a near heterozygous allelic fraction of 47.3%, a frequency that may be consistent with germline origin. This variant has been reported in a germline state in two individuals in the literature with neural tube defects (Allache R et al., PMID: 22371354; Wang XJ et al., PMID: 25280249). This variant is observed on 342/1,612,474 alleles in the general population (gnomAD v.4.1.0). Computational predictors are uncertain as to the impact of this variant on the CELSR1 function. Due to limited information, and based on ACMG/AMP guidelines for variant interpretation (Richards S et al., PMID: 25741868), the clinical significance of this variant is uncertain at this time.

NM_001378328.1(CELSR1):c.2270A>G (p.Gln757Arg)

Gene: CELSR1 (cadherin EGF LAG seven-pass G-type receptor 1; minus strand). Cytogenetic location: 22q13.31.
Variant type: single nucleotide variant.
Coding change: c.2270A>G on transcript NM_001378328.1 (MANE Select); coding-DNA position 2270, A replaced by G.
Protein change: p.Gln757Arg; replaces glutamine 757 with arginine.
Molecular consequence: missense variant.
Genome position (GRCh38, 1-based): chr22:46,534,901, T>C on the plus strand (A>G on the coding strand, the complement: CELSR1 is on the minus strand). VCF-style: chr22-46534901-T-C. GRCh37 (hg19) VCF-style: chr22-46930798-T-C.
Other names: c.2270A>G, p.Gln757Arg (NM_014246.4); short protein forms Q757R.
Identifiers: ClinVar variation 4279720 (VCV004279720.1).
Genomic context (GRCh38, chr22:46,534,901, plus strand): 5'-ATTAGGACATGCGCAGTGTGCGACCGTGTGCCGTCGGATGCTGTCACCGCCAGCACGTAC[T>C]GCTGCTCCTGCTTGTAGTCCAGAGGTAGCGCCAGGGTGATGAGGCCGCCCCCTCTCTGGC-3'
Protein context (NP_001365257.1, residues 747-767): ALPLDYKQEQ[Gln757Arg]YVLAVTASDG